The following is an entry in ClinVar:

ClinVar aggregate classification (germline): Uncertain significance (1 of 4 stars; one submission).

Conditions:
Duchenne muscular dystrophy (DMD). Also called: MUSCULAR DYSTROPHY, PSEUDOHYPERTROPHIC PROGRESSIVE, DUCHENNE TYPE; Duchenne Muscular Dystrophy (DMD). Identifiers: Orphanet 98896, MedGen C0013264, MONDO:0010679, OMIM 310200.

Allele frequency attached by ClinVar (database versions not stated): TOPMed below 0.00001; gnomAD 0.00001; gnomAD exomes below 0.00001.
gnomAD v4.1: 3 of 1,209,695 alleles (0.00025%); highest among the groups gnomAD compares: Non-Finnish European, 0.00034%; no homozygotes.

Submission:

Labcorp Genetics (formerly Invitae), Labcorp
Classification: Uncertain significance for Duchenne muscular dystrophy. Last evaluated: 2021-09-02. Review status: criteria provided, single submitter. Criteria: Invitae Variant Classification Sherloc (09022015). Collection method: clinical testing. Allele origin: germline.
Comment: This sequence change replaces glutamine with glutamic acid at codon 133 of the DMD protein (p.Gln133Glu). The glutamine residue is highly conserved and there is a small physicochemical difference between glutamine and glutamic acid. This variant is not present in population databases (ExAC no frequency). This variant has not been reported in the literature in individuals affected with DMD-related conditions. Algorithms developed to predict the effect of missense changes on protein structure and function (SIFT, PolyPhen-2, Align-GVGD) all suggest that this variant is likely to be tolerated. In summary, the available evidence is currently insufficient to determine the role of this variant in disease. Therefore, it has been classified as a Variant of Uncertain Significance.

NM_004006.3(DMD):c.397C>G (p.Gln133Glu)

Gene: DMD (dystrophin; minus strand). Cytogenetic location: Xp21.1.
Variant type: single nucleotide variant.
Coding change: c.397C>G on transcript NM_004006.3 (MANE Select); coding-DNA position 397, C replaced by G.
Protein change: p.Gln133Glu; replaces glutamine 133 with glutamic acid.
Molecular consequence: missense variant.
Genome position (GRCh38, 1-based): chrX:32,816,601, G>C on the plus strand (C>G on the coding strand, the complement: DMD is on the minus strand). VCF-style: chrX-32816601-G-C. GRCh37 (hg19) VCF-style: chrX-32834718-G-C.
Other names: c.373C>G, p.Gln125Glu (NM_000109.4); c.385C>G, p.Gln129Glu (NM_004009.3); c.28C>G, p.Gln10Glu (NM_004010.3); short protein forms Q129E, Q125E, Q133E, Q10E.
Identifiers: ClinVar variation 1522623 (VCV001522623.5), dbSNP rs1422155550, ClinGen allele CA412674305.